The following is an entry in ClinVar:

ClinVar aggregate classification (germline): Uncertain significance (1 of 4 stars; one submission).

Allele frequency attached by ClinVar (database versions not stated): gnomAD exomes below 0.00001; gnomAD 0.00001; TOPMed 0.00001.
gnomAD v4.1: 4 of 1,613,826 alleles (0.00025%); highest among the groups gnomAD compares: African/African-American, 0.0013%; no homozygotes.

Submission:

Labcorp Genetics (formerly Invitae), Labcorp
Classification: Uncertain significance. Last evaluated: 2022-08-13. Review status: criteria provided, single submitter. Criteria: Invitae Variant Classification Sherloc (09022015). Collection method: clinical testing. Allele origin: germline.
Comment: This variant has not been reported in the literature in individuals affected with CNGA1-related conditions. In summary, the available evidence is currently insufficient to determine the role of this variant in disease. Therefore, it has been classified as a Variant of Uncertain Significance. Algorithms developed to predict the effect of missense changes on protein structure and function (SIFT, PolyPhen-2, Align-GVGD) all suggest that this variant is likely to be disruptive. This variant is not present in population databases (gnomAD no frequency). This sequence change replaces glycine, which is neutral and non-polar, with arginine, which is basic and polar, at codon 510 of the CNGA1 protein (p.Gly510Arg).

NM_001379270.1(CNGA1):c.1516G>A (p.Gly506Arg)

Genes: CNGA1 (cyclic nucleotide gated channel subunit alpha 1; minus strand), LOC101927157 (uncharacterized LOC101927157; plus strand). Cytogenetic location: 4p12.
Variant type: single nucleotide variant.
Coding change: c.1516G>A on transcript NM_001379270.1 (MANE Select); coding-DNA position 1516, G replaced by A.
Protein change: p.Gly506Arg; replaces glycine 506 with arginine.
Molecular consequence: missense variant.
Genome position (GRCh38, 1-based): chr4:47,936,966, C>T on the plus strand (G>A on the coding strand, the complement: CNGA1 is on the minus strand). VCF-style: chr4-47936966-C-T. GRCh37 (hg19) VCF-style: chr4-47938983-C-T.
Other names: c.1516G>A, p.Gly506Arg (NM_000087.5, NM_001142564.2); short protein forms G506R.
Identifiers: ClinVar variation 1716368 (VCV001716368.5), dbSNP rs1738692118, ClinGen allele CA356825398.